The following is an entry in ClinVar:

ClinVar aggregate classification (germline): Uncertain significance (1 of 4 stars; one submission).

Conditions:
Pyogenic bacterial infections due to MyD88 deficiency (IMD68). Also called: PYOGENIC BACTERIAL INFECTIONS, RECURRENT, DUE TO MYD88 DEFICIENCY. Identifiers: Orphanet 183713, MedGen C2677092, MONDO:0012839, OMIM 612260.

Submission:

Labcorp Genetics (formerly Invitae), Labcorp
Classification: Uncertain significance for Pyogenic bacterial infections due to MyD88 deficiency. Last evaluated: 2022-08-09. Review status: criteria provided, single submitter. Criteria: Invitae Variant Classification Sherloc (09022015). Collection method: clinical testing. Allele origin: germline.
Comment: This variant is not present in population databases (gnomAD no frequency). This sequence change replaces alanine, which is neutral and non-polar, with threonine, which is neutral and polar, at codon 97 of the MYD88 protein (p.Ala97Thr). This variant has not been reported in the literature in individuals affected with MYD88-related conditions. In summary, the available evidence is currently insufficient to determine the role of this variant in disease. Therefore, it has been classified as a Variant of Uncertain Significance. Algorithms developed to predict the effect of missense changes on protein structure and function are either unavailable or do not agree on the potential impact of this missense change (SIFT: "Deleterious"; PolyPhen-2: "Benign"; Align-GVGD: "Class C0").

NM_002468.5(MYD88):c.250G>A (p.Ala84Thr)

Gene: MYD88 (MYD88 innate immune signal transduction adaptor; plus strand). Cytogenetic location: 3p22.2.
Variant type: single nucleotide variant.
Coding change: c.250G>A on transcript NM_002468.5 (MANE Select); coding-DNA position 250, G replaced by A.
Protein change: p.Ala84Thr; replaces alanine 84 with threonine.
Molecular consequence: missense variant.
Genome position (GRCh38, 1-based): chr3:38,138,950, G>A. VCF-style: chr3-38138950-G-A. GRCh37 (hg19) VCF-style: chr3-38180441-G-A.
Other names: c.250G>A, p.Ala84Thr (NM_001172566.2, NM_001172567.2, NM_001172568.2 and 4 more transcripts); short protein forms A84T, A97T.
Identifiers: ClinVar variation 1715997 (VCV001715997.6), dbSNP rs2125775949, ClinGen allele CA352129154.
Genomic context (GRCh38, chr3:38,138,950, plus strand): 5'-CTGGAGACACAAGCGGACCCCACTGGCAGGCTGCTGGACGCCTGGCAGGGACGCCCTGGC[G>A]CCTCTGTAGGCCGACTGCTCGAGCTGCTTACCAAGCTGGGCCGCGACGACGTGCTGCTGG-3'
Protein context (NP_002459.3, residues 74-94): LLDAWQGRPG[Ala84Thr]SVGRLLELLT